The following is an entry in ClinVar:

ClinVar aggregate classification (germline): Uncertain significance (1 of 4 stars; one submission).

Submission:

Labcorp Genetics (formerly Invitae), Labcorp
Classification: Uncertain significance. Last evaluated: 2026-01-14. Review status: criteria provided, single submitter. Criteria: Invitae Variant Classification Sherloc (09022015). Collection method: clinical testing. Allele origin: germline.
Comment: This sequence change replaces lysine, which is basic and polar, with arginine, which is basic and polar, at codon 279 of the DISP1 protein (p.Lys279Arg). This variant is not present in population databases (gnomAD no frequency). This variant has not been reported in the literature in individuals affected with DISP1-related conditions. An algorithm developed to predict the effect of missense changes on protein structure and function outputs the following: PolyPhen-2: "Benign". The arginine amino acid residue is found in multiple mammalian species, which suggests that this missense change does not adversely affect protein function. In summary, the available evidence is currently insufficient to determine the role of this variant in disease. Therefore, it has been classified as a Variant of Uncertain Significance.

NM_001377229.1(DISP1):c.836A>G (p.Lys279Arg)

Gene: DISP1 (dispatched RND transporter family member 1; plus strand). Cytogenetic location: 1q41.
Variant type: single nucleotide variant.
Coding change: c.836A>G on transcript NM_001377229.1 (MANE Select); coding-DNA position 836, A replaced by G.
Protein change: p.Lys279Arg; replaces lysine 279 with arginine.
Molecular consequence: missense variant.
Genome position (GRCh38, 1-based): chr1:222,992,057, A>G. VCF-style: chr1-222992057-A-G. GRCh37 (hg19) VCF-style: chr1-223165399-A-G.
Other names: c.107A>G, p.Lys36Arg (NM_001350630.2); c.836A>G, p.Lys279Arg (NM_001369594.1, NM_001377228.1, NM_032890.5); short protein forms K279R, K36R.
Identifiers: ClinVar variation 4769757 (VCV004769757.1).